The following is an entry in ClinVar:

ClinVar aggregate classification (germline): Benign. Review status: criteria provided, multiple submitters, no conflicts (2 of 4 stars). 5 submissions from 5 submitters: Benign (5). Last evaluated 2026-02-04.

Allele frequency attached by ClinVar (database versions not stated): ESP Exome Variant Server 0.45948; TOPMed 0.47381; gnomAD 0.48854; 1000 Genomes Project 30x 0.53670; 1000 Genomes Project 0.54453.
gnomAD v4.1: 715,563 of 1,611,088 alleles (44%); highest among the groups gnomAD compares: East Asian, 77%; 162,858 homozygotes.

Submissions (5):

Labcorp Genetics (formerly Invitae), Labcorp
Classification: Benign. Last evaluated: 2026-02-04. Review status: criteria provided, single submitter. Criteria: Invitae Variant Classification Sherloc (09022015). Collection method: clinical testing. Allele origin: germline.

Unidad de Genómica Garrahan, Hospital de Pediatría Garrahan
Classification: Benign. Last evaluated: 2023-11-12. Review status: criteria provided, single submitter. Criteria: ACMG Guidelines, 2015. Collection method: clinical testing. Allele origin: germline. Affected: no. Observed: 58 variant alleles.
Comment: This variant is classified as Benign based on local population frequency. This variant was detected in 60% of patients studied by a panel of primary immunodeficiencies. Number of patients: 58. Only high quality variants are reported.

Mayo Clinic Laboratories, Mayo Clinic
Classification: Benign. Last evaluated: 2022-09-06. Review status: criteria provided, single submitter. Criteria: ACMG Guidelines, 2015. Collection method: clinical testing. Allele origin: germline. Observed: 27 variant alleles.

Laboratory for Molecular Medicine, Mass General Brigham Personalized Medicine
Classification: Benign. Last evaluated: 2016-03-28. Review status: criteria provided, single submitter. Criteria: LMM Criteria. Collection method: clinical testing. Allele origin: germline.
Comment: Variant identified in a genome or exome case(s) and assessed due to predicted null impact of the variant or pathogenic assertions in the literature or databases. Disclaimer: This variant has not undergone full assessment. The following are preliminary notes: Frequency

Breakthrough Genomics
Classification: Benign. Review status: criteria provided, single submitter. Criteria: ACMG Guidelines, 2015. Collection method: not provided. Allele origin: germline. Inheritance: Autosomal recessive inheritance. Affected: yes.

NM_000234.3(LIG1):c.2442G>C (p.Ala814=)

Gene: LIG1 (DNA ligase 1; minus strand). Cytogenetic location: 19q13.33.
Variant type: single nucleotide variant.
Coding change: c.2442G>C on transcript NM_000234.3 (MANE Select); coding-DNA position 2442, G replaced by C.
Protein change: p.Ala814=; no amino-acid change (alanine 814 retained).
Molecular consequence: synonymous variant. On other transcripts: non-coding transcript variant (6).
Genome position (GRCh38, 1-based): chr19:48,117,779, C>G on the plus strand (G>C on the coding strand, the complement: LIG1 is on the minus strand). VCF-style: chr19-48117779-C-G. GRCh37 (hg19) VCF-style: chr19-48621036-C-G.
Other names: p.Ala814=; c.2349G>C, p.Ala783= (NM_001289063.2); c.2238G>C, p.Ala746= (NM_001289064.2); c.2439G>C, p.Ala813= (NM_001320970.2); c.2352G>C, p.Ala784= (NM_001320971.2).
Identifiers: ClinVar variation 403033 (VCV000403033.16), dbSNP rs13436, ClinGen allele CA9546397.